The following is an entry in ClinVar:

ClinVar aggregate classification (germline): Uncertain significance. Review status: criteria provided, multiple submitters, no conflicts (2 of 4 stars). 2 submissions from 2 submitters: Uncertain significance (2). Last evaluated 2023-06-23.

Conditions:
Hereditary cancer-predisposing syndrome. Also called: Tumor predisposition; Hereditary neoplastic syndrome; Neoplastic Syndromes, Hereditary; Hereditary Cancer Syndrome. Identifiers: Orphanet 140162, MedGen C0027672, MeSH D009386, MONDO:0015356.
Hereditary breast ovarian cancer syndrome. Also called: Hereditary breast and ovarian cancer; Hereditary breast and/or ovarian cancer syndrome; Breast and ovarian cancer; BRCA1- and BRCA2-Associated Hereditary Breast and Ovarian Cancer; Hereditary breast and ovarian cancer syndrome; Hereditary breast and ovarian cancer syndrome (HBOC). Identifiers: Orphanet 145, MedGen C0677776, MeSH D061325, MONDO:0003582. Disease mechanism: loss of function.

Allele frequency attached by ClinVar (database versions not stated): gnomAD exomes below 0.00001.
gnomAD v4.1: 1 of 1,610,142 alleles (0.000062%); highest among the groups gnomAD compares: African/African-American, 0.0013%; no homozygotes.

Submissions (2):

Ambry Genetics
Classification: Uncertain significance for Hereditary cancer-predisposing syndrome. Last evaluated: 2023-06-23. Review status: criteria provided, single submitter. Criteria: Ambry Variant Classification Scheme 2023. Collection method: clinical testing. Allele origin: germline.
Comment: The p.H150Q variant (also known as c.450T>G), located in coding exon 4 of the BRCA2 gene, results from a T to G substitution at nucleotide position 450. The histidine at codon 150 is replaced by glutamine, an amino acid with highly similar properties. This amino acid position is not well conserved in available vertebrate species. In addition, this alteration is predicted to be tolerated by in silico analysis. Since supporting evidence is limited at this time, the clinical significance of this alteration remains unclear.

Labcorp Genetics (formerly Invitae), Labcorp
Classification: Uncertain significance for Hereditary breast ovarian cancer syndrome. Last evaluated: 2022-02-02. Review status: criteria provided, single submitter. Criteria: Invitae Variant Classification Sherloc (09022015). Collection method: clinical testing. Allele origin: germline.
Comment: In summary, the available evidence is currently insufficient to determine the role of this variant in disease. Therefore, it has been classified as a Variant of Uncertain Significance. Algorithms developed to predict the effect of sequence changes on RNA splicing suggest that this variant may create or strengthen a splice site. Advanced modeling of protein sequence and biophysical properties (such as structural, functional, and spatial information, amino acid conservation, physicochemical variation, residue mobility, and thermodynamic stability) performed at Invitae indicates that this missense variant is not expected to disrupt BRCA2 protein function. This variant has not been reported in the literature in individuals affected with BRCA2-related conditions. This variant is not present in population databases (gnomAD no frequency). This sequence change replaces histidine, which is basic and polar, with glutamine, which is neutral and polar, at codon 150 of the BRCA2 protein (p.His150Gln).

NM_000059.4(BRCA2):c.450T>G (p.His150Gln)

Gene: BRCA2 (BRCA2 DNA repair associated; plus strand). Cytogenetic location: 13q13.1.
Variant type: single nucleotide variant.
Coding change: c.450T>G on transcript NM_000059.4 (MANE Select); coding-DNA position 450, T replaced by G.
Protein change: p.His150Gln; replaces histidine 150 with glutamine.
Molecular consequence: missense variant.
Genome position (GRCh38, 1-based): chr13:32,326,125, T>G. VCF-style: chr13-32326125-T-G. GRCh37 (hg19) VCF-style: chr13-32900262-T-G.
Other names: c.450T>G, p.His150Gln (NM_001406719.1, NM_001406720.1, NM_001406721.1); c.81T>G, p.His27Gln (NM_001406722.1); short protein forms H27Q, H150Q.
Identifiers: ClinVar variation 1939402 (VCV001939402.7), dbSNP rs1044335769, ClinGen allele CA247488182.